The following is an entry in ClinVar:

ClinVar aggregate classification (germline): Pathogenic (1 of 4 stars; one submission).

Conditions:
Centromeric instability of chromosomes 1,9 and 16 and immunodeficiency (ICF1). Also called: IMMUNE DEFICIENCY, VARIABLE, WITH CENTROMERIC INSTABILITY OF CHROMOSOMES 1, 9, AND 16; IMMUNODEFICIENCY SYNDROME, VARIABLE; Immunodeficiency-centromeric instability-facial anomalies; CENTROMERIC INSTABILITY, IMMUNODEFICIENCY SYNDROME. Identifiers: Orphanet 2268, MedGen C0398788, MONDO:0000133.

Submission:

Labcorp Genetics (formerly Invitae), Labcorp
Classification: Pathogenic for Centromeric instability of chromosomes 1,9 and 16 and immunodeficiency. Last evaluated: 2024-01-12. Review status: criteria provided, single submitter. Criteria: Invitae Variant Classification Sherloc (09022015). Collection method: clinical testing. Allele origin: unknown.
Comment: A gross deletion of the genomic region encompassing the full coding sequence of the DNMT3B gene has been identified. Loss-of-function variants in DNMT3B are known to be pathogenic (PMID: 11102980). The boundaries of this event are unknown as they extend beyond the assayed region for this gene and therefore may encompass additional genes. This variant has not been reported in the literature in individuals affected with DNMT3B-related conditions. For these reasons, this variant has been classified as Pathogenic.

Literature cited by the submitters: PubMed 11102980.

NC_000020.10:g.(?_31368130)_(31592146_?)del

Genes: DNMT3B (DNA methyltransferase 3 beta; plus strand), MAPRE1 (microtubule associated protein RP/EB family member 1; plus strand), EFCAB8 (EF-hand calcium binding domain 8; plus strand), SUN5 (Sad1 and UNC84 domain containing 5; minus strand). Cytogenetic location: 20q11.21.
Variant type: Deletion.
Identifiers: ClinVar variation 3248262 (VCV003248262.1).